The following is an entry in ClinVar:

NM_022489.4(INF2):c.1588G>A (p.Val530Met)

Gene: INF2 (inverted formin 2; plus strand). Cytogenetic location: 14q32.33.
Variant type: single nucleotide variant.
Coding change: c.1588G>A on transcript NM_022489.4 (MANE Select); coding-DNA position 1588, G replaced by A.
Protein change: p.Val530Met; replaces valine 530 with methionine.
Molecular consequence: missense variant.
Genome position (GRCh38, 1-based): chr14:104,707,855, G>A. VCF-style: chr14-104707855-G-A. GRCh37 (hg19) VCF-style: chr14-105174192-G-A.
Other names: c.1588G>A, p.Val530Met (NM_001031714.4); short protein forms V530M.
Identifiers: ClinVar variation 948818 (VCV000948818.12), dbSNP rs369984449, ClinGen allele CA7372599.
Genomic context (GRCh38, chr14:104,707,855, plus strand): 5'-ATGGGCTGGGGCCCTCCTCCACCCCCACCTCCACTACTGCCCTGCACCTGCAGCCCCCCC[G>A]TGGCGGGAGGCATGGAGGAGGTCATCGTGGCCCAGGTGGACCATGGCTTGGGCTCAGCAT-3'
Protein context (NP_071934.3, residues 520-540): PLLPCTCSPP[Val530Met]AGGMEEVIVA

ClinVar aggregate classification (germline): Conflicting classifications of pathogenicity. Review status: criteria provided, conflicting classifications (1 of 4 stars). 4 submissions from 4 submitters: Uncertain significance (2); Likely benign (2). Last evaluated 2026-01-13.

Conditions:
INF2-related disorder. Also called: INF2-related condition.
Focal segmental glomerulosclerosis 5 (FSGS5). Identifiers: Orphanet 656, MedGen C2750475, MONDO:0013191, OMIM 613237.
Charcot-Marie-Tooth disease dominant intermediate E. Also called: CHARCOT-MARIE-TOOTH NEUROPATHY WITH FOCAL SEGMENTAL GLOMERULONEPHRITIS. Identifiers: Orphanet 93114, MedGen C4302667, MONDO:0013758, OMIM 614455.
Inborn genetic diseases. Identifiers: MedGen C0950123, MeSH D030342.

Allele frequency attached by ClinVar (database versions not stated): gnomAD 0.00007 and 0.00009; ExAC 0.00013; gnomAD exomes 0.00013; TOPMed 0.00014; ESP Exome Variant Server 0.00017.

Submissions (4):

Labcorp Genetics (formerly Invitae), Labcorp
Classification: Likely benign for Charcot-Marie-Tooth disease dominant intermediate E; Focal segmental glomerulosclerosis 5. Last evaluated: 2026-01-13. Review status: criteria provided, single submitter. Criteria: Invitae Variant Classification Sherloc (09022015). Collection method: clinical testing. Allele origin: germline.

PreventionGenetics, part of Exact Sciences
Classification: Uncertain significance for INF2-related condition. Last evaluated: 2025-05-29. Review status: criteria provided, single submitter. Criteria: ACMG Guidelines, 2015. Collection method: clinical testing. Allele origin: germline.
Comment: The INF2 c.1588G>A variant is predicted to result in the amino acid substitution p.Val530Met. To our knowledge, this variant has not been reported in the literature. This variant is reported in 0.054% of alleles in individuals of Latino descent in gnomAD, including one homozygote. Although we suspect that this variant may be benign, at this time, the clinical significance of this variant is uncertain due to the absence of conclusive functional and genetic evidence.

Fulgent Genetics
Classification: Uncertain significance for Focal segmental glomerulosclerosis 5; Charcot-Marie-Tooth disease dominant intermediate E. Last evaluated: 2021-12-02. Review status: criteria provided, single submitter. Criteria: ACMG Guidelines, 2015. Collection method: clinical testing. Allele origin: unknown.

Ambry Genetics
Classification: Likely benign for Inborn genetic diseases. Last evaluated: 2021-02-22. Review status: criteria provided, single submitter. Criteria: Ambry Variant Classification Scheme 2023. Collection method: clinical testing. Allele origin: germline.